The following is an entry in ClinVar:

ClinVar aggregate classification (germline): Uncertain significance (1 of 4 stars; one submission).

Conditions:
Familial melanoma. Also called: Hereditary melanoma; Hereditary cutaneous melanoma. Identifiers: Orphanet 618, MedGen C1512419, MONDO:0018961.

Submission:

Labcorp Genetics (formerly Invitae), Labcorp
Classification: Uncertain significance for Familial melanoma. Last evaluated: 2022-05-09. Review status: criteria provided, single submitter. Criteria: Invitae Variant Classification Sherloc (09022015). Collection method: clinical testing. Allele origin: germline.
Comment: In summary, the available evidence is currently insufficient to determine the role of this variant in disease. Therefore, it has been classified as a Variant of Uncertain Significance. Experimental studies and prediction algorithms are not available or were not evaluated, and the functional significance of this variant is currently unknown. This variant has not been reported in the literature in individuals affected with CDK4-related conditions. This variant is not present in population databases (gnomAD no frequency). This variant, c.889_903del, results in the deletion of 5 amino acid(s) of the CDK4 protein (p.Lys297_Asn301del), but otherwise preserves the integrity of the reading frame.

NM_000075.4(CDK4):c.889_903del (p.Lys297_Asn301del)

Genes: CDK4 (cyclin dependent kinase 4; minus strand), TSPAN31 (tetraspanin 31; plus strand). Cytogenetic location: 12q14.1.
Variant type: Deletion.
Coding change: c.889_903del on transcript NM_000075.4 (MANE Select); coding-DNA positions 889 to 903, 15 bases deleted (AAGGATGAAGGTAAT).
Protein change: p.Lys297_Asn301del.
Molecular consequence: inframe deletion. On other transcripts: 3 prime UTR variant (3).
Genome position (GRCh38, 1-based): chr12:57,748,534-57,748,548, ATTACCTTCATCCTT deleted on the plus strand (AAGGATGAAGGTAAT on the coding strand, the reverse complement: CDK4 is on the minus strand); deleting any 15 consecutive bases within chr12:57,748,534-57,748,550 gives the same sequence; the c. name uses the placement nearest the transcript's 3' end. VCF-style (leftmost placement, unchanged base first): chr12-57748533-GATTACCTTCATCCTT-G. GRCh37 (hg19) VCF-style: chr12-58142316-GATTACCTTCATCCTT-G.
Other names: c.*1246_*1260del (NM_001330168.2, NM_001330169.2, NM_005981.5).
Identifiers: ClinVar variation 2135777 (VCV002135777.4), dbSNP rs2540892716, ClinGen allele CA2580086565.